The following is an entry in ClinVar:

ClinVar aggregate classification (germline): Uncertain significance (1 of 4 stars; one submission).

Conditions:
Hereditary cancer-predisposing syndrome. Also called: Neoplastic Syndromes, Hereditary; Tumor predisposition; Hereditary Cancer Syndrome; Hereditary neoplastic syndrome. Identifiers: Orphanet 140162, MedGen C0027672, MeSH D009386, MONDO:0015356.

Submission:

Ambry Genetics
Classification: Uncertain significance for Hereditary cancer-predisposing syndrome. Last evaluated: 2021-06-20. Review status: criteria provided, single submitter. Criteria: Ambry Variant Classification Scheme 2023. Collection method: clinical testing. Allele origin: germline.
Comment: The p.A2239S variant (also known as c.6715G>T), located in coding exon 48 of the POLE gene, results from a G to T substitution at nucleotide position 6715. The alanine at codon 2239 is replaced by serine, an amino acid with similar properties. This amino acid position is conserved. In addition, this alteration is predicted to be tolerated by in silico analysis. Since supporting evidence is limited at this time, the clinical significance of this alteration remains unclear.

NM_006231.4(POLE):c.6715G>T (p.Ala2239Ser)

Gene: POLE (DNA polymerase epsilon, catalytic subunit; minus strand). Cytogenetic location: 12q24.33.
Variant type: single nucleotide variant.
Coding change: c.6715G>T on transcript NM_006231.4 (MANE Select); coding-DNA position 6715, G replaced by T.
Protein change: p.Ala2239Ser; replaces alanine 2239 with serine.
Molecular consequence: missense variant.
Genome position (GRCh38, 1-based): chr12:132,624,937, C>A on the plus strand (G>T on the coding strand, the complement: POLE is on the minus strand). VCF-style: chr12-132624937-C-A. GRCh37 (hg19) VCF-style: chr12-133201523-C-A.
Other names: short protein forms A2239S.
Identifiers: ClinVar variation 1755065 (VCV001755065.2), dbSNP rs370305500, ClinGen allele CA387366083.